The following is an entry in ClinVar:

ClinVar aggregate classification (germline): Uncertain significance (1 of 4 stars; one submission).

Conditions:
Autosomal recessive juvenile Parkinson disease 2. Also called: Parkinson disease autosomal recessive, early onset; Juvenile parkinsonism; Parkinsonism, early onset, with diurnal fluctuation; Parkinson disease, juvenile, type 2; PRKN-Related Early-Onset Parkinson Disease; PARKINSON DISEASE, JUVENILE, AUTOSOMAL RECESSIVE. Identifiers: Orphanet 2828, MedGen C1868675, MONDO:0010820, OMIM 600116.

Submission:

Labcorp Genetics (formerly Invitae), Labcorp
Classification: Uncertain significance for Parkinson disease 2. Last evaluated: 2018-03-06. Review status: criteria provided, single submitter. Criteria: Invitae Variant Classification Sherloc (09022015). Collection method: clinical testing. Allele origin: germline.
Comment: This variant is a gross duplication of the genomic region encompassing exon 9 of the PARK2 gene. While the exact position of the duplicated exon cannot be determined from this data, sub-genic duplications are generally in tandem (PMID: 25640679). This duplication would be expected to be in-frame, preserving the integrity of the reading frame. This variant has been observed in the heterozygous and compound heterozygous state in individuals affected with Parkinson's Disease (PMID:Â¬â€ 15266615,Â¬â€ 18211709). In summary, the available evidence is currently insufficient to determine the role of this variant in disease. Therefore, it has been classified as a Variant of Uncertain Significance.

NC_000006.11:g.(?_161969866)_(161970055_?)dup

Gene: PRKN (parkin RBR E3 ubiquitin protein ligase; minus strand). Cytogenetic location: 6q26.
Variant type: Duplication.
Identifiers: ClinVar variation 583484 (VCV000583484.1).